The following is an entry in ClinVar:

ClinVar aggregate classification (germline): Uncertain significance. Review status: criteria provided, multiple submitters, no conflicts (2 of 4 stars). 2 submissions from 2 submitters: Uncertain significance (2). Last evaluated 2011-08-12.

Submissions (2):

ISCA site 14
Classification: Uncertain significance. Last evaluated: 2011-08-12. Review status: criteria provided, single submitter. Criteria: Kaminsky et al. (Genet Med. 2011). Collection method: clinical testing. Allele origin: paternal. Affected: yes. Observed: 1 variant allele.
Comment: Copy number variation identified through the course of routine clinical cytogenomic testing in postnatal populations. Clinical assertions have been curated as described in Kaminsky et al. 2011.

ISCA site 4
Classification: Uncertain significance. Last evaluated: 2011-08-12. Review status: criteria provided, single submitter. Criteria: Kaminsky et al. (Genet Med. 2011). Collection method: clinical testing. Allele origin: unknown. Affected: yes. Observed: 1 variant allele.
Comment: the same text as in the submission from ISCA site 14 above.

GRCh38/hg38 3p26.3(chr3:1450978-2754945)x3

Genes: CNTN4 (contactin 4; plus strand), CNTN4-AS2 (CNTN4 antisense RNA 2; minus strand), LOC107522028 (meiotic recombination hotspot T; plus strand), LOC107522035 (meiotic recombination hotspot S; plus strand), LOC122889017 (Sharpr-MPRA regulatory region 9777; plus strand) and 5 more. Cytogenetic location: 3p26.3.
Variant type: copy number gain.
Change: copy number 3 (three copies instead of two) of chr3:1,450,978-2,754,945 (1.30 Mb, GRCh38 coordinates, 1-based), cytogenetic band 3p26.3.
Identifiers: ClinVar variation 57122 (VCV000057122.1).